The following is an entry in ClinVar:

NM_001164508.2(NEB):c.21490C>A (p.Arg7164Ser)

Genes: NEB (nebulin; minus strand), RIF1 (replication timing regulatory factor 1; plus strand). Cytogenetic location: 2q23.3.
Variant type: single nucleotide variant.
Coding change: c.21490C>A on transcript NM_001164508.2 (MANE Select); coding-DNA position 21490, C replaced by A.
Protein change: p.Arg7164Ser; replaces arginine 7164 with serine.
Molecular consequence: missense variant.
Genome position (GRCh38, 1-based): chr2:151,531,824, G>T on the plus strand (C>A on the coding strand, the complement: NEB is on the minus strand). VCF-style: chr2-151531824-G-T. GRCh37 (hg19) VCF-style: chr2-152388338-G-T.
Other names: c.21490C>A, p.Arg7164Ser (NM_001164507.2); c.21595C>A, p.Arg7199Ser (NM_001271208.2); c.16387C>A, p.Arg5463Ser (NM_004543.5); short protein forms R7164S, R7199S, R5463S.
Identifiers: ClinVar variation 838136 (VCV000838136.9), dbSNP rs771050596, ClinGen allele CA1906963.

ClinVar aggregate classification (germline): Uncertain significance (1 of 4 stars; one submission).

Conditions:
Nemaline myopathy 2 (NEM2). Also called: Nemaline myopathy 2, autosomal recessive. Identifiers: MedGen C1850569, MONDO:0009725, OMIM 256030.

gnomAD v4.1: 6 of 1,612,858 alleles (0.00037%); no homozygotes.

Submission:

Labcorp Genetics (formerly Invitae), Labcorp
Classification: Uncertain significance for Nemaline myopathy 2. Last evaluated: 2019-11-20. Review status: criteria provided, single submitter. Criteria: Invitae Variant Classification Sherloc (09022015). Collection method: clinical testing. Allele origin: germline.
Comment: In summary, the available evidence is currently insufficient to determine the role of this variant in disease. Therefore, it has been classified as a Variant of Uncertain Significance. Algorithms developed to predict the effect of missense changes on protein structure and function are either unavailable or do not agree on the potential impact of this missense change (SIFT: "Deleterious"; PolyPhen-2: "Not Available"; Align-GVGD: "Class C0"). This variant has not been reported in the literature in individuals with NEB-related conditions. This variant is present in population databases (rs771050596, ExAC 0.002%). This sequence change replaces arginine with serine at codon 7199 of the NEB protein (p.Arg7199Ser). The arginine residue is moderately conserved and there is a moderate physicochemical difference between arginine and serine.